The following is an entry in ClinVar:

NM_001278716.2(FBXL4):c.1702+18A>G

Gene: FBXL4 (F-box and leucine rich repeat protein 4; minus strand). Cytogenetic location: 6q16.1.
Variant type: single nucleotide variant.
Coding change: c.1702+18A>G on transcript NM_001278716.2 (MANE Select); 18 bases into the intron after coding-DNA position 1702, A replaced by G.
Molecular consequence: intron variant.
Genome position (GRCh38, 1-based): chr6:98,875,397, T>C on the plus strand (A>G on the coding strand, the complement: FBXL4 is on the minus strand). VCF-style: chr6-98875397-T-C. GRCh37 (hg19) VCF-style: chr6-99323273-T-C.
Other names: c.1702+18A>G (NM_012160.5).
Identifiers: ClinVar variation 437793 (VCV000437793.5), dbSNP rs776605924, ClinGen allele CA3933399.

ClinVar aggregate classification (germline): Conflicting classifications of pathogenicity. Review status: criteria provided, conflicting classifications (1 of 4 stars). 2 submissions from 2 submitters: Uncertain significance (1); Likely benign (1). Last evaluated 2022-10-17.

Conditions:
Mitochondrial DNA depletion syndrome 13. Also called: FBXL4-Related Encephalomyopathic Mitochondrial DNA Depletion Syndrome; Mitochondrial DNA depletion syndrome 13 (encephalomyopathic type). Identifiers: Orphanet 369897, MedGen C3809592, MONDO:0014198, OMIM 615471.

Allele frequency attached by ClinVar (database versions not stated): ExAC 0.00001; TOPMed 0.00002; gnomAD exomes below 0.00001.
gnomAD v4.1: 3 of 1,610,710 alleles (0.00019%); highest among the groups gnomAD compares: African/African-American, 0.004%; no homozygotes.

Submissions (2):

Labcorp Genetics (formerly Invitae), Labcorp
Classification: Likely benign. Last evaluated: 2022-10-17. Review status: criteria provided, single submitter. Criteria: Invitae Variant Classification Sherloc (09022015). Collection method: clinical testing. Allele origin: germline.

Wong Mito Lab, Molecular and Human Genetics, Baylor College of Medicine
Classification: Uncertain significance for Mitochondrial DNA depletion syndrome 13. Last evaluated: 2017-08-10. Review status: criteria provided, single submitter. Criteria: ACMG Guidelines, 2015. Collection method: reference population. Allele origin: germline.
Comment: The NM_012160.4:c.1702+18A>G (NP_036292.2:p.=) [GRCH38: NC_000006.12:g.98875397T>C] variant in FBXL4 gene is interpretated to be a Uncertain Significance - Insufficient Evidence based on ACMG guidelines (PMID: 25741868). This variant meets one or more of the following evidence codes reported in the ACMG-guideline. PM2:This variant is absent in key population databases. Based on this evidence code ClinGen Pathogenicity Calculator (PMID:28081714) suggested that the variant is Uncertain Significance - Insufficient Evidence.